The following is an entry in ClinVar:

ClinVar aggregate classification (germline): Uncertain significance (1 of 4 stars; one submission).

Conditions:
Hereditary spastic paraplegia 30. Identifiers: Orphanet 101010, MedGen C5235139, MONDO:0012476.
Neuropathy, hereditary sensory, type 2C. Also called: Hereditary sensory and autonomic neuropathy type IIC; KIF1A-Related HSAN2 (HSAN2C). Identifiers: Orphanet 970, MedGen C3280168, MONDO:0013634, OMIM 614213.
Intellectual disability, autosomal dominant 9 (NESCAVS). Also called: NESCAV SYNDROME; KIF1A-Related Neurodevelopmental Disorder. Identifiers: Orphanet 662367, MedGen C5393830, MONDO:0013656, OMIM 614255.

gnomAD v4.1: 1 of 1,483,690 alleles (0.000067%); highest among the groups gnomAD compares: Admixed American, 0.0023%; no homozygotes.

Submission:

Labcorp Genetics (formerly Invitae), Labcorp
Classification: Uncertain significance for Hereditary spastic paraplegia 30; Neuropathy, hereditary sensory, type 2C; Intellectual disability, autosomal dominant 9. Last evaluated: 2025-12-10. Review status: criteria provided, single submitter. Criteria: Invitae Variant Classification Sherloc (09022015). Collection method: clinical testing. Allele origin: germline.
Comment: This sequence change falls in intron 23 of the KIF1A gene. It does not directly change the encoded amino acid sequence of the KIF1A protein. It affects a nucleotide within the consensus splice site. This variant is not present in population databases (gnomAD no frequency). This variant has not been reported in the literature in individuals affected with KIF1A-related conditions. ClinVar contains an entry for this variant (Variation ID: 1985488). Variants that disrupt the consensus splice site are a relatively common cause of aberrant splicing (PMID: 17576681, 9536098). Algorithms developed to predict the effect of sequence changes on RNA splicing suggest that this variant is not likely to affect RNA splicing. In summary, the available evidence is currently insufficient to determine the role of this variant in disease. Therefore, it has been classified as a Variant of Uncertain Significance.

Literature cited by the submitters: PubMed 17576681; PubMed 9536098.

NM_001244008.2(KIF1A):c.2444+6G>T

Gene: KIF1A (kinesin family member 1A; minus strand). Cytogenetic location: 2q37.3.
Variant type: single nucleotide variant.
Coding change: c.2444+6G>T on transcript NM_001244008.2 (MANE Select); 6 bases into the intron after coding-DNA position 2444, G replaced by T.
Molecular consequence: intron variant.
Genome position (GRCh38, 1-based): chr2:240,760,659, C>A on the plus strand (G>T on the coding strand, the complement: KIF1A is on the minus strand). VCF-style: chr2-240760659-C-A. GRCh37 (hg19) VCF-style: chr2-241700076-C-A.
Other names: c.2417+6G>T (NM_001379653.1, NM_001379650.1, NM_001379645.1 and 10 more transcripts); c.2519+6G>T (NM_001379635.1, NM_001330290.2, NM_001379646.1 and 2 more transcripts); c.2492+6G>T (NM_001379637.1, NM_001379648.1); c.2444+6G>T (NM_001320705.2, NM_001379638.1, NM_001330289.2).
Identifiers: ClinVar variation 1985488 (VCV001985488.4), dbSNP rs2537595704, ClinGen allele CA2580068105.